The following is an entry in ClinVar:

NM_000742.4(CHRNA2):c.1483T>C (p.Tyr495His)

Gene: CHRNA2 (cholinergic receptor nicotinic alpha 2 subunit; minus strand). Cytogenetic location: 8p21.2.
Variant type: single nucleotide variant.
Coding change: c.1483T>C on transcript NM_000742.4 (MANE Select); coding-DNA position 1483, T replaced by C.
Protein change: p.Tyr495His; replaces tyrosine 495 with histidine.
Molecular consequence: missense variant.
Genome position (GRCh38, 1-based): chr8:27,461,736, A>G on the plus strand (T>C on the coding strand, the complement: CHRNA2 is on the minus strand). VCF-style: chr8-27461736-A-G. GRCh37 (hg19) VCF-style: chr8-27319253-A-G.
Other names: c.1438T>C, p.Tyr480His (NM_001282455.2); c.1006T>C, p.Tyr336His (NM_001347705.2, NM_001347706.2); c.889T>C, p.Tyr297His (NM_001347707.2, NM_001347708.2); short protein forms Y297H, Y336H, Y480H, Y495H.
Identifiers: ClinVar variation 2501638 (VCV002501638.1), dbSNP rs2490524810, ClinGen allele CA370807313.

ClinVar aggregate classification (germline): Uncertain significance (1 of 4 stars; one submission).

Submission:

GeneDx
Classification: Uncertain significance. Last evaluated: 2022-11-08. Review status: criteria provided, single submitter. Criteria: GeneDx Variant Classification Process June 2021. Collection method: clinical testing. Allele origin: germline. Affected: yes.
Comment: Not observed at significant frequency in large population cohorts (gnomAD); In silico analysis supports that this missense variant has a deleterious effect on protein structure/function; Has not been previously published as pathogenic or benign to our knowledge